The following is an entry in ClinVar:

NM_022836.4(DCLRE1B):c.1545G>T (p.Gly515=)

Gene: DCLRE1B (DNA cross-link repair 1B; plus strand). Cytogenetic location: 1p13.2.
Variant type: single nucleotide variant.
Coding change: c.1545G>T on transcript NM_022836.4 (MANE Select); coding-DNA position 1545, G replaced by T.
Protein change: p.Gly515=; no amino-acid change (glycine 515 retained).
Molecular consequence: synonymous variant. On other transcripts: missense variant (2).
Genome position (GRCh38, 1-based): chr1:113,912,137, G>T. VCF-style: chr1-113912137-G-T. GRCh37 (hg19) VCF-style: chr1-114454759-G-T.
Other names: c.1167G>T, p.Gly389= (NM_001319946.2, NM_001319947.2); c.1252G>T, p.Val418Leu (NM_001363690.2); c.874G>T, p.Val292Leu (NM_001363691.2); short protein forms V292L, V418L.
Identifiers: ClinVar variation 3039690 (VCV003039690.2), dbSNP rs941998508, ClinGen allele CA419704375.

ClinVar aggregate classification (germline): Likely benign (0 of 4 stars; one submission).

Conditions:
DCLRE1B-related disorder. Also called: DCLRE1B-related condition.

gnomAD v4.1: 10 of 1,614,122 alleles (0.00062%); highest among the groups gnomAD compares: Middle Eastern, 0.082%; no homozygotes.

Submission:

PreventionGenetics, part of Exact Sciences
Classification: Likely benign for DCLRE1B-related condition. Last evaluated: 2019-05-28. Review status: no assertion criteria provided. Collection method: clinical testing. Allele origin: germline.
Comment: This variant is classified as likely benign based on ACMG/AMP sequence variant interpretation guidelines (Richards et al. 2015 PMID: 25741868, with internal and published modifications).